The following is an entry in ClinVar:

ClinVar aggregate classification (germline): Likely pathogenic (0 of 4 stars; one submission).

Conditions:
Glycine encephalopathy. Also called: Nonketotic hyperglycinemia; Non-ketotic hyperglycinemia. Identifiers: Orphanet 407, MedGen C0751748, MONDO:0011612, HP:0008288.

Submission:

Juha Muilu Group; Institute for Molecular Medicine Finland (FIMM)
Classification: Likely pathogenic for Non-ketotic hyperglycinemia. Review status: no assertion criteria provided. Collection method: not provided. Allele origin: unknown.
Comment: FinDis database variant: This variant was not found or characterized by our laboratory, data were collected from public sources: see reference
ClinVar note: Converted during submission from probable-pathogenic to Likely pathogenic.

NM_000481.4(AMT):c.148del (p.Val50fs)

Gene: AMT (aminomethyltransferase; minus strand). Cytogenetic location: 3p21.31.
Variant type: Deletion.
Coding change: c.148del on transcript NM_000481.4 (MANE Select); coding-DNA position 148, one base deleted (G; older notation c.148delG).
Protein change: p.Val50fs; shifts the reading frame from valine 50.
Molecular consequence: frameshift variant. On other transcripts: non-coding transcript variant (1), intron variant (1).
Genome position (GRCh38, 1-based): chr3:49,422,214, C deleted on the plus strand (G on the coding strand, the reverse complement: AMT is on the minus strand); the first of 2 consecutive C bases (chr3:49,422,214-49,422,215); deleting either gives the same sequence. VCF-style (leftmost placement, unchanged base first): chr3-49422213-AC-A. GRCh37 (hg19) VCF-style: chr3-49459646-AC-A.
Other names: c.148delG (NM_000481.3); c.148del, p.Val50fs (NM_001164710.2, NM_001164712.2); c.90+147del (NM_001164711.2); short protein forms V50fs.
Identifiers: ClinVar variation 56227 (VCV000056227.2), dbSNP rs386833678, ClinGen allele CA263565.